The following is an entry in ClinVar:

ClinVar aggregate classification (germline): Uncertain significance (1 of 4 stars; one submission).

Allele frequency attached by ClinVar (database versions not stated): gnomAD 0.00001; TOPMed 0.00001.
gnomAD v4.1: 1 of 1,614,076 alleles (0.000062%); highest among the groups gnomAD compares: Non-Finnish European, 0.000085%; no homozygotes.

Submission:

Labcorp Genetics (formerly Invitae), Labcorp
Classification: Uncertain significance. Last evaluated: 2021-03-10. Review status: criteria provided, single submitter. Criteria: Invitae Variant Classification Sherloc (09022015). Collection method: clinical testing. Allele origin: germline.
Comment: This sequence change replaces glutamine with histidine at codon 1913 of the PRPF8 protein (p.Gln1913His). The glutamine residue is highly conserved and there is a small physicochemical difference between glutamine and histidine. This variant is not present in population databases (ExAC no frequency). This variant has not been reported in the literature in individuals with PRPF8-related conditions. Algorithms developed to predict the effect of missense changes on protein structure and function are either unavailable or do not agree on the potential impact of this missense change (SIFT: "Deleterious"; PolyPhen-2: "Possibly Damaging"; Align-GVGD: "Class C0"). In summary, the available evidence is currently insufficient to determine the role of this variant in disease. Therefore, it has been classified as a Variant of Uncertain Significance.

NM_006445.4(PRPF8):c.5739G>T (p.Gln1913His)

Gene: PRPF8 (pre-mRNA processing factor 8; minus strand). Cytogenetic location: 17p13.3.
Variant type: single nucleotide variant.
Coding change: c.5739G>T on transcript NM_006445.4 (MANE Select); coding-DNA position 5739, G replaced by T.
Protein change: p.Gln1913His; replaces glutamine 1913 with histidine.
Molecular consequence: missense variant.
Genome position (GRCh38, 1-based): chr17:1,656,446, C>A on the plus strand (G>T on the coding strand, the complement: PRPF8 is on the minus strand). VCF-style: chr17-1656446-C-A. GRCh37 (hg19) VCF-style: chr17-1559740-C-A.
Other names: short protein forms Q1913H.
Identifiers: ClinVar variation 1377878 (VCV001377878.8), dbSNP rs1911394288, ClinGen allele CA397570170.